The following is an entry in ClinVar:

NM_002076.4(GNS):c.400G>A (p.Ala134Thr)

Gene: GNS (glucosamine (N-acetyl)-6-sulfatase; minus strand). Cytogenetic location: 12q14.3.
Variant type: single nucleotide variant.
Coding change: c.400G>A on transcript NM_002076.4 (MANE Select); coding-DNA position 400, G replaced by A.
Protein change: p.Ala134Thr; replaces alanine 134 with threonine.
Molecular consequence: missense variant.
Genome position (GRCh38, 1-based): chr12:64,747,771, C>T on the plus strand (G>A on the coding strand, the complement: GNS is on the minus strand). VCF-style: chr12-64747771-C-T. GRCh37 (hg19) VCF-style: chr12-65141551-C-T.
Other names: short protein forms A134T.
Identifiers: ClinVar variation 1715826 (VCV001715826.5), dbSNP rs1869939685, ClinGen allele CA385610861.

ClinVar aggregate classification (germline): Uncertain significance (1 of 4 stars; one submission).

Conditions:
Mucopolysaccharidosis, MPS-III-D (MPS3D). Also called: MUCOPOLYSACCHARIDOSIS, TYPE IIID; N-ACETYLGLUCOSAMINE-6-SULFATASE DEFICIENCY; SANFILIPPO SYNDROME D; MPS III D; Mucopoly-saccharidosis type 3D; N-acetylglucosamine-6-sulfate sulfatase deficiency. Identifiers: Orphanet 581, Orphanet 79272, MedGen C0086650, MONDO:0009658, OMIM 252940.

Allele frequency attached by ClinVar (database versions not stated): gnomAD 0.00001; gnomAD exomes below 0.00001.
gnomAD v4.1: 2 of 1,612,858 alleles (0.00012%); highest among the groups gnomAD compares: African/African-American, 0.0027%; no homozygotes.

Submission:

Labcorp Genetics (formerly Invitae), Labcorp
Classification: Uncertain significance for Mucopolysaccharidosis, MPS-III-D. Last evaluated: 2022-08-20. Review status: criteria provided, single submitter. Criteria: Invitae Variant Classification Sherloc (09022015). Collection method: clinical testing. Allele origin: germline.
Comment: In summary, the available evidence is currently insufficient to determine the role of this variant in disease. Therefore, it has been classified as a Variant of Uncertain Significance. Algorithms developed to predict the effect of missense changes on protein structure and function (SIFT, PolyPhen-2, Align-GVGD) all suggest that this variant is likely to be tolerated. This variant has not been reported in the literature in individuals affected with GNS-related conditions. This variant is not present in population databases (gnomAD no frequency). This sequence change replaces alanine, which is neutral and non-polar, with threonine, which is neutral and polar, at codon 134 of the GNS protein (p.Ala134Thr).